The following is an entry in ClinVar:

NM_001211.6(BUB1B):c.152G>A (p.Cys51Tyr)

Gene: BUB1B (BUB1 mitotic checkpoint serine/threonine kinase B; plus strand). Cytogenetic location: 15q15.1.
Variant type: single nucleotide variant.
Coding change: c.152G>A on transcript NM_001211.6 (MANE Select); coding-DNA position 152, G replaced by A.
Protein change: p.Cys51Tyr; replaces cysteine 51 with tyrosine.
Molecular consequence: missense variant.
Genome position (GRCh38, 1-based): chr15:40,165,169, G>A. VCF-style: chr15-40165169-G-A. GRCh37 (hg19) VCF-style: chr15-40457370-G-A.
Other names: short protein forms C51Y.
Identifiers: ClinVar variation 5033515 (VCV005033515.1).
Genomic context (GRCh38, chr15:40,165,169, plus strand): 5'-CTTTAAGGCAAGGGCGGATCATGTCCACGCTTCAGGGAGCACTGGCACAAGAATCTGCCT[G>A]TAACAATACTCTTCAGCAGCAGAAACGGTGTGTAGAATGGCTGAGTCTCAACCTGTCGTC-3'
Protein context (NP_001202.5, residues 41-61): LQGALAQESA[Cys51Tyr]NNTLQQQKRA

ClinVar aggregate classification (germline): Uncertain significance (1 of 4 stars; one submission).

Conditions:
Inborn genetic diseases. Identifiers: MedGen C0950123, MeSH D030342.

Submission:

Ambry Genetics
Classification: Uncertain significance for Inborn genetic diseases. Last evaluated: 2026-07-13. Review status: criteria provided, single submitter. Criteria: Ambry Variant Classification Scheme 2023. Collection method: clinical testing. Allele origin: germline.
Comment: The p.C51Y variant (also known as c.152G>A), located in coding exon 2 of the BUB1B gene, results from a G to A substitution at nucleotide position 152. The cysteine at codon 51 is replaced by tyrosine, an amino acid with highly dissimilar properties. This amino acid position is conserved. In addition, this alteration is predicted to be tolerated by in silico analysis. Based on the available evidence, the clinical significance of this variant remains unclear.